The following is an entry in ClinVar:

ClinVar aggregate classification (germline): Uncertain significance (1 of 4 stars; one submission).

Submission:

Labcorp Genetics (formerly Invitae), Labcorp
Classification: Uncertain significance. Last evaluated: 2025-12-30. Review status: criteria provided, single submitter. Criteria: Invitae Variant Classification Sherloc (09022015). Collection method: clinical testing. Allele origin: germline.
Comment: This sequence change creates a premature translational stop signal (p.Asp747Thrfs*31) in the ARHGEF1 gene. It is expected to result in an absent or disrupted protein product. However, the current clinical and genetic evidence is not sufficient to establish whether loss-of-function variants in ARHGEF1 cause disease. This variant is not present in population databases (gnomAD no frequency). This variant has not been reported in the literature in individuals affected with ARHGEF1-related conditions. In summary, the available evidence is currently insufficient to determine the role of this variant in disease. Therefore, it has been classified as a Variant of Uncertain Significance.

NM_004706.4(ARHGEF1):c.2194del (p.Asp732fs)

Gene: ARHGEF1 (Rho guanine nucleotide exchange factor 1; plus strand). Cytogenetic location: 19q13.2.
Variant type: Deletion.
Coding change: c.2194del on transcript NM_004706.4 (MANE Select); coding-DNA position 2194, one base deleted (G; older notation c.2194delG).
Protein change: p.Asp732fs; shifts the reading frame from aspartic acid 732.
Molecular consequence: frameshift variant. On other transcripts: non-coding transcript variant (2).
Genome position (GRCh38, 1-based): chr19:41,904,981, G deleted; the last of 3 consecutive G bases (chr19:41,904,979-41,904,981); deleting any one gives the same sequence. VCF-style (leftmost placement, unchanged base first): chr19-41904978-TG-T. GRCh37 (hg19) VCF-style: chr19-42409130-TG-T.
Other names: c.2362del, p.Asp788fs (NM_001396000.1); c.2095del, p.Asp699fs (NM_001396002.1, NM_001396004.1, NM_198977.2); c.2194del, p.Asp732fs (NM_001396003.1, NM_001396006.1); c.2239del, p.Asp747fs (NM_199002.2); short protein forms D747fs, D699fs, D732fs, D788fs.
Identifiers: ClinVar variation 4733703 (VCV004733703.1).